The following is an entry in ClinVar:

NM_001283009.2(RTEL1):c.3311C>G (p.Thr1104Ser)

Genes: RTEL1 (regulator of telomere elongation helicase 1; plus strand), RTEL1-TNFRSF6B (RTEL1-TNFRSF6B readthrough (NMD candidate); plus strand). Cytogenetic location: 20q13.33.
Variant type: single nucleotide variant.
Coding change: c.3311C>G on transcript NM_001283009.2 (MANE Select); coding-DNA position 3311, C replaced by G.
Protein change: p.Thr1104Ser; replaces threonine 1104 with serine.
Molecular consequence: missense variant. On other transcripts: non-coding transcript variant (1).
Genome position (GRCh38, 1-based): chr20:63,694,942, C>G. VCF-style: chr20-63694942-C-G. GRCh37 (hg19) VCF-style: chr20-62326295-C-G.
Other names: c.2642C>G, p.Thr881Ser (NM_001283010.1); c.3311C>G, p.Thr1104Ser (NM_016434.4); c.3383C>G, p.Thr1128Ser (NM_032957.5); short protein forms T1104S, T1128S, T881S.
Identifiers: ClinVar variation 1974502 (VCV001974502.5), dbSNP rs190297758, ClinGen allele CA409685162.

ClinVar aggregate classification (germline): Uncertain significance (1 of 4 stars; one submission).

Conditions:
Dyskeratosis congenita, autosomal recessive 5 (DKCB5). Identifiers: MedGen C3554656, MONDO:0014076, OMIM 615190.
Pulmonary fibrosis and/or bone marrow failure, Telomere-related, 3. Also called: PULMONARY FIBROSIS AND/OR BONE MARROW FAILURE SYNDROME, TELOMERE-RELATED, 3. Identifiers: Orphanet 2032, MedGen C4225346, MONDO:0014613, OMIM 616373.

gnomAD v4.1: 1 of 1,612,608 alleles (0.000062%); highest among the groups gnomAD compares: Non-Finnish European, 0.000085%; no homozygotes.

Submission:

Labcorp Genetics (formerly Invitae), Labcorp
Classification: Uncertain significance for Dyskeratosis congenita, autosomal recessive 5; Pulmonary fibrosis and/or bone marrow failure, Telomere-related, 3. Last evaluated: 2022-07-11. Review status: criteria provided, single submitter. Criteria: Invitae Variant Classification Sherloc (09022015). Collection method: clinical testing. Allele origin: germline.
Comment: This sequence change replaces threonine, which is neutral and polar, with serine, which is neutral and polar, at codon 1104 of the RTEL1 protein (p.Thr1104Ser). In summary, the available evidence is currently insufficient to determine the role of this variant in disease. Therefore, it has been classified as a Variant of Uncertain Significance. Algorithms developed to predict the effect of sequence changes on RNA splicing suggest that this variant may create or strengthen a splice site. Algorithms developed to predict the effect of missense changes on protein structure and function are either unavailable or do not agree on the potential impact of this missense change (SIFT: "Tolerated"; PolyPhen-2: "Probably Damaging"; Align-GVGD: "Class C0"). This variant has not been reported in the literature in individuals affected with RTEL1-related conditions. This variant is not present in population databases (gnomAD no frequency).